The following is an entry in ClinVar:

NM_019616.4(F7):c.213C>G (p.Asp71Glu)

Gene: F7 (coagulation factor VII; plus strand). Cytogenetic location: 13q34.
Variant type: single nucleotide variant.
Coding change: c.213C>G on transcript NM_019616.4 (MANE Select); coding-DNA position 213, C replaced by G.
Protein change: p.Asp71Glu; replaces aspartic acid 71 with glutamic acid.
Molecular consequence: missense variant. On other transcripts: non-coding transcript variant (1), intron variant (1).
Genome position (GRCh38, 1-based): chr13:113,110,838, C>G. VCF-style: chr13-113110838-C-G. GRCh37 (hg19) VCF-style: chr13-113765152-C-G.
Other names: c.279C>G (NM_000131.3); c.279C>G, p.Asp93Glu (NM_000131.5); c.65-3009C>G (NM_001267554.2); short protein forms D71E, D93E.
Identifiers: ClinVar variation 1684390 (VCV001684390.4), dbSNP rs761662200, ClinGen allele CA388781287.

ClinVar aggregate classification (germline): Uncertain significance. Review status: criteria provided, single submitter (1 of 4 stars). 2 submissions from 2 submitters: Uncertain significance (1). 1 of the submissions does not count toward it. Last evaluated 2025-08-22.

Conditions:
Inborn genetic diseases. Identifiers: MedGen C0950123, MeSH D030342.
Congenital factor VII deficiency. Identifiers: Orphanet 327, MedGen C0272320, MONDO:0009211, OMIM 227500.

Allele frequency attached by ClinVar (database versions not stated): TOPMed below 0.00001.
gnomAD v4.1: 8 of 1,560,960 alleles (0.00051%); highest among the groups gnomAD compares: Non-Finnish European, 0.00069%; no homozygotes.

Submissions (2):

Ambry Genetics
Classification: Uncertain significance for Inborn genetic diseases. Last evaluated: 2025-08-22. Review status: criteria provided, single submitter. Criteria: Ambry Variant Classification Scheme 2023. Collection method: clinical testing. Allele origin: germline.

ISTH-SSC Genomics in Thrombosis and Hemostasis, KU Leuven, Center for Molecular and Vascular Biology
Classification: Uncertain significance for Congenital factor VII deficiency. Review status: no assertion criteria provided. Collection method: clinical testing. Allele origin: germline. Affected: yes. Not counted in ClinVar's aggregate classification.
Comment: Submitted to GoldVariant by Juliana Perez Botero from Versiti Diagnostic Laboratories, USA